The following is an entry in ClinVar:

NM_001142800.2(EYS):c.3889_3892del (p.Thr1297fs)

Gene: EYS (EGF-like photoreceptor maintenance factor; minus strand). Cytogenetic location: 6q12.
Variant type: Microsatellite.
Coding change: c.3889_3892del on transcript NM_001142800.2 (MANE Select); coding-DNA positions 3889 to 3892, 4 bases deleted (ACAG; older notation c.3889_3892delACAG).
Protein change: p.Thr1297fs; shifts the reading frame from threonine 1297.
Molecular consequence: frameshift variant.
Genome position (GRCh38, 1-based): chr6:64,591,975-64,591,978, CTGT deleted on the plus strand (ACAG on the coding strand, the reverse complement: EYS is on the minus strand); deleting any 4 consecutive bases within chr6:64,591,975-64,591,982 gives the same sequence; the c. name uses the placement nearest the transcript's 3' end. VCF-style (leftmost placement, unchanged base first): chr6-64591974-CCTGT-C. GRCh37 (hg19) VCF-style: chr6-65301867-CCTGT-C.
Other names: c.3889_3892del, p.Thr1297fs (NM_001292009.2); short protein forms T1297fs.
Identifiers: ClinVar variation 945190 (VCV000945190.7), dbSNP rs1766427315, ClinGen allele CA1633809649.
Genomic context (GRCh38, chr6:64,591,974, plus strand): 5'-GGTGTGCTAATTCTTAATGTTGCCAAACCAGTGGTTGGGAGAATGTCGTGCTTGACAATG[CCTGT>C]CTGTTTTGGACCTACAAAAAGGAAAAAAGCCAAAAAGGTTAGAAAAATGAATCAGAAACG-3'

ClinVar aggregate classification (germline): Pathogenic (1 of 4 stars; one submission).

Submission:

Labcorp Genetics (formerly Invitae), Labcorp
Classification: Pathogenic. Last evaluated: 2021-10-21. Review status: criteria provided, single submitter. Criteria: Invitae Variant Classification Sherloc (09022015). Collection method: clinical testing. Allele origin: germline.
Comment: For these reasons, this variant has been classified as Pathogenic. Loss-of-function variants in EYS are known to be pathogenic (PMID: 18836446, 20333770). This variant has not been reported in the literature in individuals with EYS-related conditions. The frequency data for this variant in the population databases is considered unreliable, as metrics indicate insufficient coverage at this position in the ExAC database. This sequence change creates a premature translational stop signal (p.Thr1297Alafs*16) in the EYS gene. It is expected to result in an absent or disrupted protein product.

Literature cited by the submitters: PubMed 18836446; PubMed 20333770.